The following is an entry in ClinVar:

ClinVar aggregate classification (germline): Uncertain significance (1 of 4 stars; one submission).

Conditions:
Osteogenesis imperfecta type 7 (OI7). Also called: OSTEOGENESIS IMPERFECTA, TYPE IIB; Osteogenesis imperfecta type 2B; OI type 2B; Osteogenesis imperfecta, perinatal lethal autosomal recessive; OI type IIB; OI type 7. Identifiers: MedGen C1853162, MONDO:0012536, OMIM 610682.

Submission:

Labcorp Genetics (formerly Invitae), Labcorp
Classification: Uncertain significance for Osteogenesis imperfecta type 7. Last evaluated: 2022-03-30. Review status: criteria provided, single submitter. Criteria: Invitae Variant Classification Sherloc (09022015). Collection method: clinical testing. Allele origin: germline.
Comment: This variant is a gross deletion of the genomic region encompassing exon(s) 7 of the CRTAP gene, which includes the termination codon. This deletion extends beyond the assayed region for this gene and therefore may encompass additional genes. While this deletion is not anticipated to lead to nonsense mediated decay, it is expected to alter mRNA translation or result in a truncated protein product. This variant has not been reported in the literature in individuals affected with CRTAP-related conditions. In summary, the available evidence is currently insufficient to determine the role of this variant in disease. Therefore, it has been classified as a Variant of Uncertain Significance.

NC_000003.11:g.(?_33183867)_(33183940_?)del

Gene: CRTAP (cartilage associated protein; plus strand). Cytogenetic location: 3p22.3.
Variant type: Deletion.
Identifiers: ClinVar variation 2425588 (VCV002425588.3).